The following is an entry in ClinVar:

NM_001367479.1(DNAH14):c.11156_11162delinsTTAGC (p.Thr3719fs)

Gene: DNAH14 (dynein axonemal heavy chain 14; plus strand). Cytogenetic location: 1q42.12.
Variant type: Indel.
Coding change: c.11156_11162delinsTTAGC on transcript NM_001367479.1 (MANE Select); coding-DNA positions 11156 to 11162, CTGTAAT replaced by TTAGC.
Protein change: p.Thr3719fs; shifts the reading frame from threonine 3719.
Molecular consequence: frameshift variant.
Genome position (GRCh38, 1-based): chr1:225,346,514-225,346,520, CTGTAAT replaced by TTAGC. VCF-style: chr1-225346514-CTGTAAT-TTAGC. GRCh37 (hg19) VCF-style: chr1-225534216-CTGTAAT-TTAGC.
Other names: NM_001373.1:c.10877_10883delinsTTAGC; short protein forms T3719fs.
Identifiers: ClinVar variation 3371096 (VCV003371096.1).

ClinVar aggregate classification (germline): Uncertain significance (1 of 4 stars; one submission).

Submission:

GeneDx
Classification: Uncertain significance. Last evaluated: 2024-03-17. Review status: criteria provided, single submitter. Criteria: GeneDx Variant Classification Process June 2021. Collection method: clinical testing. Allele origin: germline. Affected: yes.
Comment: Not observed at significant frequency in large population cohorts (gnomAD); Has not been previously published as pathogenic or benign to our knowledge; Frameshift variant predicted to result in protein truncation or nonsense mediated decay in a gene for which loss-of-function is not a known mechanism of disease